The following is an entry in ClinVar:

ClinVar aggregate classification (germline): Uncertain significance (1 of 4 stars; one submission).

gnomAD v4.1: 100 of 1,600,042 alleles (0.0062%); highest among the groups gnomAD compares: African/African-American, 0.12%; no homozygotes.

Submission:

GeneDx
Classification: Uncertain significance. Last evaluated: 2026-07-09. Review status: criteria provided, single submitter. Criteria: GeneDx Variant Classification Process June 2021. Collection method: clinical testing. Allele origin: germline.
Comment: In silico analysis supports that this missense variant has a deleterious effect on protein structure/function; Has not been previously published as pathogenic or benign to our knowledge

NM_015656.2(KIF26A):c.2735C>G (p.Pro912Arg)

Gene: KIF26A (kinesin family member 26A; plus strand). Cytogenetic location: 14q32.33.
Variant type: single nucleotide variant.
Coding change: c.2735C>G on transcript NM_015656.2 (MANE Select); coding-DNA position 2735, C replaced by G.
Protein change: p.Pro912Arg; replaces proline 912 with arginine.
Molecular consequence: missense variant.
Genome position (GRCh38, 1-based): chr14:104,175,523, C>G. VCF-style: chr14-104175523-C-G. GRCh37 (hg19) VCF-style: chr14-104641860-C-G.
Other names: short protein forms P912R.
Identifiers: ClinVar variation 3893401 (VCV003893401.2).